The following is an entry in ClinVar:

ClinVar aggregate classification (germline): Likely pathogenic (1 of 4 stars; one submission).

Submission:

GeneDx
Classification: Likely pathogenic. Last evaluated: 2016-12-23. Review status: criteria provided, single submitter. Criteria: GeneDx Variant Classification (06012015). Collection method: clinical testing. Allele origin: germline. Affected: yes.
Comment: The H1464R variant in the RERE gene has not been reported previously as a pathogenic variant, nor as a benign variant, to our knowledge. The H1464R variant was not observed in approximately 6500 individuals of European and African American ancestry in the NHLBI Exome Sequencing Project, indicating it is not a common benign variant in these populations. The H1464R variant is a conservative amino acid substitution, which is not likely to impact secondary protein structure as these residues share similar properties. However, this substitution occurs at a position that is conserved across species, and in silico analysis predicts this variant is probably damaging to the protein structure/function. The H1464R variant is a strong candidate for a pathogenic variant.

NM_001042681.2(RERE):c.4391A>G (p.His1464Arg)

Gene: RERE (arginine-glutamic acid dipeptide repeats; minus strand). Cytogenetic location: 1p36.23.
Variant type: single nucleotide variant.
Coding change: c.4391A>G on transcript NM_001042681.2 (MANE Select); coding-DNA position 4391, A replaced by G.
Protein change: p.His1464Arg; replaces histidine 1464 with arginine.
Molecular consequence: missense variant.
Genome position (GRCh38, 1-based): chr1:8,356,195, T>C on the plus strand (A>G on the coding strand, the complement: RERE is on the minus strand). VCF-style: chr1-8356195-T-C. GRCh37 (hg19) VCF-style: chr1-8416255-T-C.
Other names: c.2729A>G, p.His910Arg (NM_001042682.2); c.4391A>G, p.His1464Arg (NM_012102.4); short protein forms H1464R, H910R.
Identifiers: ClinVar variation 391564 (VCV000391564.2), dbSNP rs1057524139, ClinGen allele CA16603759.